The following is an entry in ClinVar:

ClinVar aggregate classification (germline): Benign (1 of 4 stars; one submission).

gnomAD v4.1: 167 of 1,548,558 alleles (0.011%); highest among the groups gnomAD compares: South Asian, 0.093%; 2 homozygotes.

Submission:

CeGaT Center for Human Genetics Tuebingen
Classification: Benign. Last evaluated: 2025-07-01. Review status: criteria provided, single submitter. Criteria: CeGaT Center For Human Genetics Tuebingen Variant Classification Criteria Version 2. Collection method: clinical testing. Allele origin: germline. Affected: yes. Observed: 1 variant allele.
Comment: COL6A5: BS1, BS2

NM_001278298.2(COL6A5):c.4541C>T (p.Pro1514Leu)

Gene: COL6A5 (collagen type VI alpha 5 chain; plus strand). Cytogenetic location: 3q22.1.
Variant type: single nucleotide variant.
Coding change: c.4541C>T on transcript NM_001278298.2 (MANE Select); coding-DNA position 4541, C replaced by T.
Protein change: p.Pro1514Leu; replaces proline 1514 with leucine.
Molecular consequence: missense variant. On other transcripts: non-coding transcript variant (1).
Genome position (GRCh38, 1-based): chr3:130,409,387, C>T. VCF-style: chr3-130409387-C-T. GRCh37 (hg19) VCF-style: chr3-130128231-C-T.
Other names: c.4541C>T, p.Pro1514Leu (NM_153264.7); short protein forms P1514L.
Identifiers: ClinVar variation 4084224 (VCV004084224.8).